The following is an entry in ClinVar:

ClinVar aggregate classification (germline): Pathogenic (1 of 4 stars; one submission).

Conditions:
Severe myoclonic epilepsy in infancy (DRVT). Also called: Epileptic encephalopathy, early infantile, 6 (Dravet syndrome); SEVERE MYOCLONIC EPILEPSY OF INFANCY; DEVELOPMENTAL AND EPILEPTIC ENCEPHALOPATHY 6A; Severe Myoclonic Epilepsy in Infancy (SMEI); Dravet syndrome. Identifiers: Orphanet 33069, MedGen C0751122, MONDO:0100135, OMIM 607208.

Submission:

Center for Bioinformatics, Peking University
Classification: Pathogenic for Dravet syndrome. Last evaluated: 2014-12-20. Review status: criteria provided, single submitter. Criteria: Xu et al. (Hum Mutat. 2015). Collection method: research. Allele origin: de novo. Affected: yes. Observed: 1 variant allele. Study: University Clinical Cooperation “985 Project” PKU-2014-1-1.
Comment: Dravet syndrome (DS) probands were recruited from the outpatient and inpatient child neurology units of Peking University First Hospital from 2005 till present. The study was approved by the Ethics Committee of Peking University First Hospital and the Institutional Review Board at Peking University. Participants or their parents provided written informed consent before enrollment. We collected a total of 267 mutations from 255 families with probands diagnosed with DS in China. All probands fulfilled the clinical diagnostic criteria.

NM_001165963.1(SCN1A):c.384_964del

Gene: SCN1A (sodium voltage-gated channel alpha subunit 1; minus strand).
Variant type: Deletion.
Coding change: c.384_964del on transcript NM_001165963.1; coding-DNA positions 384 to 964, 581 bases deleted.
Identifiers: ClinVar variation 189981 (VCV000189981.1).